The following is an entry in ClinVar:

NM_000264.5(PTCH1):c.2287G>A (p.Val763Ile)

Genes: PTCH1 (patched 1; minus strand), LOC100507346 (uncharacterized LOC100507346; plus strand). Cytogenetic location: 9q22.32.
Variant type: single nucleotide variant.
Coding change: c.2287G>A on transcript NM_000264.5 (MANE Select); coding-DNA position 2287, G replaced by A.
Protein change: p.Val763Ile; replaces valine 763 with isoleucine.
Molecular consequence: missense variant. On other transcripts: non-coding transcript variant (1).
Genome position (GRCh38, 1-based): chr9:95,467,389, C>T on the plus strand (G>A on the coding strand, the complement: PTCH1 is on the minus strand). VCF-style: chr9-95467389-C-T. GRCh37 (hg19) VCF-style: chr9-98229671-C-T.
Other names: c.2089G>A, p.Val697Ile (NM_001083602.3); c.2284G>A, p.Val762Ile (NM_001083603.3); c.1834G>A, p.Val612Ile (NM_001083604.3, NM_001083605.3, NM_001083606.3 and 1 more transcripts); c.2131G>A, p.Val711Ile (NM_001354918.2); c.2089G>A (NM_001083602.1); short protein forms V711I, V762I, V697I, V612I, V763I.
Identifiers: ClinVar variation 853286 (VCV000853286.9), dbSNP rs544963328, ClinGen allele CA374114698.
Genomic context (GRCh38, chr9:95,467,389, plus strand): 5'-GAGGTACAATGTCCGTAAGGTCCAGCCCGTCTCTCACTCGGGTGGTGCCATAAAGGCTGA[C>T]CCCCAGCAAGCCCAGAAAAAGGAAGATCACCACTACCTGGAACAGAAGAGGCACAAGGTC-3'
Protein context (NP_000255.2, residues 753-773): VIFLFLGLLG[Val763Ile]SLYGTTRVRD

ClinVar aggregate classification (germline): Uncertain significance. Review status: criteria provided, multiple submitters, no conflicts (2 of 4 stars). 2 submissions from 2 submitters: Uncertain significance (2). Last evaluated 2026-07-07.

Conditions:
Hereditary cancer-predisposing syndrome. Also called: Tumor predisposition; Hereditary neoplastic syndrome; Neoplastic Syndromes, Hereditary; Hereditary Cancer Syndrome. Identifiers: Orphanet 140162, MedGen C0027672, MeSH D009386, MONDO:0015356.
Gorlin syndrome. Also called: Basal cell nevus syndrome; Nevoid Basal Cell Carcinoma Syndrome. Identifiers: Orphanet 377, MedGen C0004779, MONDO:0007187.

Submissions (2):

Ambry Genetics
Classification: Uncertain significance for Hereditary cancer-predisposing syndrome. Last evaluated: 2026-07-07. Review status: criteria provided, single submitter. Criteria: Ambry Variant Classification Scheme 2023. Collection method: clinical testing. Allele origin: germline.
Comment: The p.V697I variant (also known as c.2089G>A), located in coding exon 15 of the PTCH1 gene, results from a G to A substitution at nucleotide position 2089. The valine at codon 697 is replaced by isoleucine, an amino acid with highly similar properties. This amino acid position is conserved. In addition, this alteration is predicted to be tolerated by in silico analysis. Based on the available evidence, the clinical significance of this variant remains unclear.

Labcorp Genetics (formerly Invitae), Labcorp
Classification: Uncertain significance for Gorlin syndrome. Last evaluated: 2023-08-30. Review status: criteria provided, single submitter. Criteria: Invitae Variant Classification Sherloc (09022015). Collection method: clinical testing. Allele origin: germline.
Comment: This sequence change replaces valine, which is neutral and non-polar, with isoleucine, which is neutral and non-polar, at codon 763 of the PTCH1 protein (p.Val763Ile). This variant is not present in population databases (gnomAD no frequency). This variant has not been reported in the literature in individuals affected with PTCH1-related conditions. ClinVar contains an entry for this variant (Variation ID: 853286). Advanced modeling of protein sequence and biophysical properties (such as structural, functional, and spatial information, amino acid conservation, physicochemical variation, residue mobility, and thermodynamic stability) performed at Invitae indicates that this missense variant is not expected to disrupt PTCH1 protein function. In summary, the available evidence is currently insufficient to determine the role of this variant in disease. Therefore, it has been classified as a Variant of Uncertain Significance.